The following is an entry in ClinVar:

ClinVar aggregate classification (germline): Likely benign (0 of 4 stars; one submission).

Conditions:
IQGAP3-related disorder. Also called: IQGAP3-related condition.

Allele frequency attached by ClinVar (database versions not stated): 1000 Genomes Project 0.00200; 1000 Genomes Project 30x 0.00203; ExAC 0.00345; gnomAD 0.00359; TOPMed 0.00375; ESP Exome Variant Server 0.00461.
gnomAD v4.1: 8,850 of 1,597,454 alleles (0.55%); highest among the groups gnomAD compares: Non-Finnish European, 0.68%; 36 homozygotes.

Submission:

PreventionGenetics, part of Exact Sciences
Classification: Likely benign for IQGAP3-related condition. Last evaluated: 2019-02-19. Review status: no assertion criteria provided. Collection method: clinical testing. Allele origin: germline.
Comment: This variant is classified as likely benign based on ACMG/AMP sequence variant interpretation guidelines (Richards et al. 2015 PMID: 25741868, with internal and published modifications).

NM_178229.5(IQGAP3):c.792G>A (p.Arg264=)

Gene: IQGAP3 (IQ motif containing GTPase activating protein 3; minus strand). Cytogenetic location: 1q22.
Variant type: single nucleotide variant.
Coding change: c.792G>A on transcript NM_178229.5 (MANE Select); coding-DNA position 792, G replaced by A.
Protein change: p.Arg264=; no amino-acid change (arginine 264 retained).
Molecular consequence: synonymous variant.
Genome position (GRCh38, 1-based): chr1:156,563,140, C>T on the plus strand (G>A on the coding strand, the complement: IQGAP3 is on the minus strand). VCF-style: chr1-156563140-C-T. GRCh37 (hg19) VCF-style: chr1-156532932-C-T.
Identifiers: ClinVar variation 3039240 (VCV003039240.2), dbSNP rs76102113, ClinGen allele CA1161861.
Genomic context (GRCh38, chr1:156,563,140, plus strand): 5'-AGACTTTCCAGCCACTCAACTTTTCGGTCCCTGCAACCCAAGACTACTCCTTACATGGTT[C>T]CTGGCATTGGCTGCCTTCTCCATCTTGGCCTGGGCCAGCATCTCTTGGTAGACGGCTGCC-3'
Protein context (NP_839943.3, residues 254-274): QAKMEKAANA[Arg264=]NHDDRESQDI